The following is an entry in ClinVar:

NM_001127198.5(TMC6):c.712G>A (p.Gly238Arg)

Gene: TMC6 (transmembrane channel like 6; minus strand). Cytogenetic location: 17q25.3.
Variant type: single nucleotide variant.
Coding change: c.712G>A on transcript NM_001127198.5 (MANE Select); coding-DNA position 712, G replaced by A.
Protein change: p.Gly238Arg; replaces glycine 238 with arginine.
Molecular consequence: missense variant. On other transcripts: non-coding transcript variant (4).
Genome position (GRCh38, 1-based): chr17:78,124,703, C>T on the plus strand (G>A on the coding strand, the complement: TMC6 is on the minus strand). VCF-style: chr17-78124703-C-T. GRCh37 (hg19) VCF-style: chr17-76120784-C-T.
Other names: c.712G>A, p.Gly238Arg (NM_001321185.1, NM_001374593.1, NM_001374594.1 and 4 more transcripts); short protein forms G238R.
Identifiers: ClinVar variation 526239 (VCV000526239.8), dbSNP rs185225783, ClinGen allele CA8796021.

ClinVar aggregate classification (germline): Uncertain significance (1 of 4 stars; one submission).

Conditions:
Epidermodysplasia verruciformis. Identifiers: Orphanet 302, MedGen C0014522, MONDO:0009176.

Allele frequency attached by ClinVar (database versions not stated): gnomAD 0.00006 and 0.00007; TOPMed 0.00010; gnomAD exomes 0.00013; ExAC 0.00015; 1000 Genomes Project 30x 0.00031; 1000 Genomes Project 0.00040.
gnomAD v4.1: 60 of 1,598,742 alleles (0.0038%); highest among the groups gnomAD compares: Admixed American, 0.071%; 1 homozygote.

Submission:

Labcorp Genetics (formerly Invitae), Labcorp
Classification: Uncertain significance for Epidermodysplasia verruciformis. Last evaluated: 2024-01-03. Review status: criteria provided, single submitter. Criteria: Invitae Variant Classification Sherloc (09022015). Collection method: clinical testing. Allele origin: germline.
Comment: This sequence change replaces glycine, which is neutral and non-polar, with arginine, which is basic and polar, at codon 238 of the TMC6 protein (p.Gly238Arg). This variant is present in population databases (rs185225783, gnomAD 0.09%), including at least one homozygous and/or hemizygous individual. This variant has not been reported in the literature in individuals affected with TMC6-related conditions. ClinVar contains an entry for this variant (Variation ID: 526239). An algorithm developed to predict the effect of missense changes on protein structure and function (PolyPhen-2) suggests that this variant is likely to be disruptive. In summary, the available evidence is currently insufficient to determine the role of this variant in disease. Therefore, it has been classified as a Variant of Uncertain Significance.